The following is an entry in ClinVar:

ClinVar aggregate classification (germline): Uncertain significance (1 of 4 stars; one submission).

Conditions:
Curry-Hall syndrome (WAD). Also called: WEYERS ACRODENTAL DYSOSTOSIS. Identifiers: Orphanet 952, MedGen C0457013, MONDO:0008673, OMIM 193530.
Ellis-van Creveld syndrome (EVC). Also called: EVC-Related Ellis-van Creveld Syndrome; EVC2-Related Ellis-van Creveld Syndrome; MESOECTODERMAL DYSPLASIA; Chondroectodermal dysplasia. Identifiers: Orphanet 289, MedGen C0013903, MONDO:0009162, OMIM 225500.

gnomAD v4.1: 1 of 1,614,166 alleles (0.000062%); highest among the groups gnomAD compares: Non-Finnish European, 0.000085%; no homozygotes.

Submission:

Labcorp Genetics (formerly Invitae), Labcorp
Classification: Uncertain significance for Curry-Hall syndrome; Ellis-van Creveld syndrome. Last evaluated: 2024-03-12. Review status: criteria provided, single submitter. Criteria: Invitae Variant Classification Sherloc (09022015). Collection method: clinical testing. Allele origin: germline.
Comment: This sequence change replaces lysine, which is basic and polar, with glutamic acid, which is acidic and polar, at codon 85 of the EVC2 protein (p.Lys85Glu). This variant is not present in population databases (gnomAD no frequency). This variant has not been reported in the literature in individuals affected with EVC2-related conditions. An algorithm developed to predict the effect of missense changes on protein structure and function (PolyPhen-2) suggests that this variant is likely to be tolerated. In summary, the available evidence is currently insufficient to determine the role of this variant in disease. Therefore, it has been classified as a Variant of Uncertain Significance.

NM_147127.5(EVC2):c.253A>G (p.Lys85Glu)

Gene: EVC2 (EvC ciliary complex subunit 2; minus strand). Cytogenetic location: 4p16.2.
Variant type: single nucleotide variant.
Coding change: c.253A>G on transcript NM_147127.5 (MANE Select); coding-DNA position 253, A replaced by G.
Protein change: p.Lys85Glu; replaces lysine 85 with glutamic acid.
Molecular consequence: missense variant.
Genome position (GRCh38, 1-based): chr4:5,697,623, T>C on the plus strand (A>G on the coding strand, the complement: EVC2 is on the minus strand). VCF-style: chr4-5697623-T-C. GRCh37 (hg19) VCF-style: chr4-5699350-T-C.
Other names: c.13A>G, p.Lys5Glu (NM_001166136.2); short protein forms K5E, K85E.
Identifiers: ClinVar variation 3751154 (VCV003751154.2).